The following is an entry in ClinVar:

ClinVar aggregate classification (germline): Uncertain significance. Review status: criteria provided, multiple submitters, no conflicts (2 of 4 stars). 2 submissions from 2 submitters: Uncertain significance (2). Last evaluated 2025-08-28.

Conditions:
Hypertrophic cardiomyopathy. Also called: HYPERTROPHIC MYOCARDIOPATHY. Identifiers: Orphanet 217569, MedGen C0007194, MeSH D002312, MONDO:0005045, HP:0001639.

Allele frequency attached by ClinVar (database versions not stated): TOPMed below 0.00001; ExAC 0.00001; gnomAD exomes 0.00001.
gnomAD v4.1: 6 of 1,612,220 alleles (0.00037%); highest among the groups gnomAD compares: South Asian, 0.0033%; no homozygotes.

Submissions (2):

Ambry Genetics
Classification: Uncertain significance. Last evaluated: 2025-08-28. Review status: criteria provided, single submitter. Criteria: Ambry Variant Classification Scheme 2023. Collection method: clinical testing. Allele origin: germline.

Labcorp Genetics (formerly Invitae), Labcorp
Classification: Uncertain significance for Hypertrophic cardiomyopathy. Last evaluated: 2022-12-25. Review status: criteria provided, single submitter. Criteria: Invitae Variant Classification Sherloc (09022015). Collection method: clinical testing. Allele origin: germline.
Comment: This variant has not been reported in the literature in individuals affected with MYOM1-related conditions. In summary, the available evidence is currently insufficient to determine the role of this variant in disease. Therefore, it has been classified as a Variant of Uncertain Significance. Algorithms developed to predict the effect of missense changes on protein structure and function are either unavailable or do not agree on the potential impact of this missense change (SIFT: "Tolerated"; PolyPhen-2: "Possibly Damaging"; Align-GVGD: "Class C0"). The frequency data for this variant in the population databases is considered unreliable, as metrics indicate poor data quality at this position in the gnomAD database. This sequence change replaces arginine, which is basic and polar, with glutamine, which is neutral and polar, at codon 500 of the MYOM1 protein (p.Arg500Gln).

NM_003803.4(MYOM1):c.1499G>A (p.Arg500Gln)

Gene: MYOM1 (myomesin 1; minus strand). Cytogenetic location: 18p11.31.
Variant type: single nucleotide variant.
Coding change: c.1499G>A on transcript NM_003803.4 (MANE Select); coding-DNA position 1499, G replaced by A.
Protein change: p.Arg500Gln; replaces arginine 500 with glutamine.
Molecular consequence: missense variant.
Genome position (GRCh38, 1-based): chr18:3,164,280, C>T on the plus strand (G>A on the coding strand, the complement: MYOM1 is on the minus strand). VCF-style: chr18-3164280-C-T. GRCh37 (hg19) VCF-style: chr18-3164278-C-T.
Other names: c.1499G>A, p.Arg500Gln (NM_019856.2); short protein forms R500Q.
Identifiers: ClinVar variation 2447670 (VCV002447670.6), dbSNP rs779530873, ClinGen allele CA8874937.